The following is an entry in ClinVar:

NM_001130987.2(DYSF):c.3086-2A>G

Gene: DYSF (dysferlin; plus strand). Cytogenetic location: 2p13.2.
Variant type: single nucleotide variant.
Coding change: c.3086-2A>G on transcript NM_001130987.2 (MANE Select); the canonical splice acceptor site of the intron before coding-DNA position 3086, A replaced by G.
Molecular consequence: splice acceptor variant.
Genome position (GRCh38, 1-based): chr2:71,570,597, A>G. VCF-style: chr2-71570597-A-G. GRCh37 (hg19) VCF-style: chr2-71797727-A-G.
Other names: c.3125-2A>G (NM_001130979.2); c.3083-2A>G (NM_001130981.2, NM_001130980.2); c.3032-2A>G (NM_001130978.2, NM_003494.4); c.2990-2A>G (NM_001130977.2, NM_001130976.2); c.3128-2A>G (NM_001130982.2); c.3086-2A>G (NM_001130985.2); c.3035-2A>G (NM_001130983.2, NM_001130455.2); c.2993-2A>G (NM_001130984.2, NM_001130986.2).
Identifiers: ClinVar variation 1028124 (VCV001028124.8), dbSNP rs2092361815, ClinGen allele CA347216880.

ClinVar aggregate classification (germline): Likely pathogenic (1 of 4 stars; one submission).

Conditions:
Neuromuscular disease caused by qualitative or quantitative defects of dysferlin. Also called: Qualitative or quantitative defects of dysferlin; Dysferlinopathy. Identifiers: Orphanet 207073, MedGen C2931687, MONDO:0016145.

Allele frequency attached by ClinVar (database versions not stated): gnomAD exomes below 0.00001.
gnomAD v4.1: 5 of 1,613,594 alleles (0.00031%); highest among the groups gnomAD compares: Non-Finnish European, 0.00042%; no homozygotes.

Submission:

Labcorp Genetics (formerly Invitae), Labcorp
Classification: Likely pathogenic for Neuromuscular disease caused by qualitative or quantitative defects of dysferlin. Last evaluated: 2020-10-09. Review status: criteria provided, single submitter. Criteria: Invitae Variant Classification Sherloc (09022015). Collection method: clinical testing. Allele origin: germline.
Comment: This sequence change affects an acceptor splice site in intron 28 of the DYSF gene. It is expected to disrupt RNA splicing and likely results in an absent or disrupted protein product. This variant is not present in population databases (ExAC no frequency). This variant has not been reported in the literature in individuals with DYSF-related conditions. Algorithms developed to predict the effect of sequence changes on RNA splicing suggest that this variant may disrupt the consensus splice site, but this prediction has not been confirmed by published transcriptional studies. Donor and acceptor splice site variants typically lead to a loss of protein function (PMID: 16199547), and loss-of-function variants in DYSF are known to be pathogenic (PMID: 17698709, 20301480). In summary, the currently available evidence indicates that the variant is pathogenic, but additional data are needed to prove that conclusively. Therefore, this variant has been classified as Likely Pathogenic.

Literature cited by the submitters: PubMed 16199547; PubMed 17698709; PubMed 20301480.